The following is an entry in ClinVar:

NM_000154.2(GALK1):c.206dup (p.Asp70fs)

Gene: GALK1 (galactokinase 1; minus strand). Cytogenetic location: 17q25.1.
Variant type: Duplication.
Coding change: c.206dup on transcript NM_000154.2 (MANE Select); coding-DNA position 206, one base duplicated (A; older notation c.206dupA).
Protein change: p.Asp70fs; shifts the reading frame from aspartic acid 70.
Molecular consequence: frameshift variant.
Genome position (GRCh38, 1-based): chr17:75,764,046, T duplicated on the plus strand (A on the coding strand, the reverse complement: GALK1 is on the minus strand); the first of 2 consecutive T bases (chr17:75,764,046-75,764,047); duplicating either gives the same sequence. VCF-style (leftmost placement, unchanged base first): chr17-75764045-C-CT. GRCh37 (hg19) VCF-style: chr17-73760126-C-CT.
Other names: c.206dup, p.Asp70fs (NM_001381985.1); short protein forms D70fs.
Identifiers: ClinVar variation 2849688 (VCV002849688.4), dbSNP rs1362123883, ClinGen allele CA627416227.

ClinVar aggregate classification (germline): Pathogenic/Likely pathogenic. Review status: criteria provided, multiple submitters, no conflicts (2 of 4 stars). 2 submissions from 2 submitters: Pathogenic (1); Likely pathogenic (1). Last evaluated 2024-02-28.

Conditions:
Deficiency of galactokinase. Also called: Galactokinase deficiency with cataracts; GALACTOSEMIA II. Identifiers: Orphanet 352, Orphanet 79237, MedGen C0268155, MONDO:0009255, OMIM 230200.

Submissions (2):

Baylor Genetics
Classification: Likely pathogenic for Deficiency of galactokinase. Last evaluated: 2024-02-28. Review status: criteria provided, single submitter. Criteria: ACMG Guidelines, 2015. Collection method: clinical testing. Allele origin: unknown.

Labcorp Genetics (formerly Invitae), Labcorp
Classification: Pathogenic for Deficiency of galactokinase. Last evaluated: 2023-03-26. Review status: criteria provided, single submitter. Criteria: Invitae Variant Classification Sherloc (09022015). Collection method: clinical testing. Allele origin: germline.
Comment: This sequence change creates a premature translational stop signal (p.Asp70Glyfs*11) in the GALK1 gene. It is expected to result in an absent or disrupted protein product. Loss-of-function variants in GALK1 are known to be pathogenic (PMID: 7670469, 10790206). This variant is present in population databases (no rsID available, gnomAD 0.003%). This variant has not been reported in the literature in individuals affected with GALK1-related conditions. For these reasons, this variant has been classified as Pathogenic.

Literature cited by the submitters: PubMed 7670469 (cited by Labcorp Genetics (formerly Invitae), Labcorp); PubMed 10790206 (cited by Labcorp Genetics (formerly Invitae), Labcorp).